The following is an entry in ClinVar:

NM_001365276.2(TNXB):c.6775A>T (p.Lys2259Ter)

Gene: TNXB (tenascin XB; minus strand). Cytogenetic location: 6p21.33.
Variant type: single nucleotide variant.
Coding change: c.6775A>T on transcript NM_001365276.2 (MANE Select); coding-DNA position 6775, A replaced by T.
Protein change: p.Lys2259Ter; replaces lysine 2259 with a stop codon.
Molecular consequence: nonsense.
Genome position (GRCh38, 1-based): chr6:32,064,887, T>A on the plus strand (A>T on the coding strand, the complement: TNXB is on the minus strand). VCF-style: chr6-32064887-T-A. GRCh37 (hg19) VCF-style: chr6-32032664-T-A.
Other names: c.7516A>T, p.Lys2506Ter (NM_001428335.1); c.6775A>T, p.Lys2259Ter (NM_019105.8); short protein forms K2259*, K2506*.
Identifiers: ClinVar variation 4852604 (VCV004852604.2).

ClinVar aggregate classification (germline): Likely pathogenic (1 of 4 stars; one submission).

Submission:

Dasa
Classification: Likely pathogenic. Last evaluated: 2025-09-11. Review status: criteria provided, single submitter. Criteria: DASA Assertion Criteria. Collection method: clinical testing. Allele origin: germline.
Comment: NM_001365276.2(TNXB):c.6775A>T (p.Lys2259*) is a nonsense variant in TNXB predicted to introduce a premature termination codon and is predicted to result in an absent or altered protein product. Loss of function is an established disease mechanism for TNXB-associated disorders. Also, this variant is absent from population databases. Based on the currently available evidence, this variant is classified as likely pathogenic.